The following is an entry in ClinVar:

NM_001112741.2(KCNC1):c.1582C>A (p.Pro528Thr)

Gene: KCNC1 (potassium voltage-gated channel subfamily C member 1; plus strand). Cytogenetic location: 11p15.1.
Variant type: single nucleotide variant.
Coding change: c.1582C>A on transcript NM_001112741.2 (MANE Select); coding-DNA position 1582, C replaced by A.
Protein change: p.Pro528Thr; replaces proline 528 with threonine.
Molecular consequence: missense variant.
Genome position (GRCh38, 1-based): chr11:17,779,533, C>A. VCF-style: chr11-17779533-C-A. GRCh37 (hg19) VCF-style: chr11-17801080-C-A.
Other names: short protein forms P528T.
Identifiers: ClinVar variation 1311752 (VCV001311752.3), dbSNP rs1434381445, ClinGen allele CA379814238.

ClinVar aggregate classification (germline): Uncertain significance. Review status: criteria provided, multiple submitters, no conflicts (2 of 4 stars). 2 submissions from 2 submitters: Uncertain significance (2). Last evaluated 2023-11-08.

Conditions:
Progressive myoclonic epilepsy type 7. Identifiers: Orphanet 435438, MedGen C4015420, MONDO:0014521, OMIM 616187.

Allele frequency attached by ClinVar (database versions not stated): gnomAD exomes below 0.00001 and 0.00001; gnomAD 0.00001; TOPMed below 0.00001.
gnomAD v4.1: 3 of 1,551,218 alleles (0.00019%); highest among the groups gnomAD compares: East Asian, 0.0073%; no homozygotes.

Submissions (2):

Revvity Omics, Revvity
Classification: Uncertain significance for Progressive myoclonic epilepsy type 7. Last evaluated: 2023-11-08. Review status: criteria provided, single submitter. Criteria: ACMG Guidelines, 2015. Collection method: clinical testing. Allele origin: germline.

GeneDx
Classification: Uncertain significance. Last evaluated: 2020-01-08. Review status: criteria provided, single submitter. Criteria: GeneDx Variant Classification Process June 2021. Collection method: clinical testing. Allele origin: germline. Affected: yes.
Comment: In silico analysis, which includes protein predictors and evolutionary conservation, supports a deleterious effect; Has not been previously published as pathogenic or benign to our knowledge